The following is an entry in ClinVar:

ClinVar aggregate classification (germline): Uncertain significance (1 of 4 stars; one submission).

Submission:

GeneDx
Classification: Uncertain significance. Last evaluated: 2024-07-24. Review status: criteria provided, single submitter. Criteria: GeneDx Variant Classification Process June 2021. Collection method: clinical testing. Allele origin: germline. Affected: yes.
Comment: In silico analysis supports a deleterious effect on splicing; No data available from control populations to assess the frequency of this variant; Has not been previously published as pathogenic or benign to our knowledge

NM_006883.2(SHOX):c.-433+2T>C

Gene: SHOX (SHOX homeobox; plus strand). Cytogenetic location: Xp22.33.
Variant type: single nucleotide variant.
Coding change: c.-433+2T>C on transcript NM_006883.2; the canonical splice donor site of the intron after 433 bases upstream of the start codon, T replaced by C.
Molecular consequence: splice donor variant.
Genome position (GRCh38, 1-based): chrX:624,604, T>C. VCF-style: chrX-624604-T-C. GRCh37 (hg19) VCF-style: chrX-585339-T-C.
Identifiers: ClinVar variation 3600779 (VCV003600779.1).